The following is an entry in ClinVar:

NM_032119.4(ADGRV1):c.11963C>A (p.Thr3988Asn)

Gene: ADGRV1 (adhesion G protein-coupled receptor V1; plus strand). Cytogenetic location: 5q14.3.
Variant type: single nucleotide variant.
Coding change: c.11963C>A on transcript NM_032119.4 (MANE Select); coding-DNA position 11963, C replaced by A.
Protein change: p.Thr3988Asn; replaces threonine 3988 with asparagine.
Molecular consequence: missense variant. On other transcripts: non-coding transcript variant (1).
Genome position (GRCh38, 1-based): chr5:90,759,431, C>A. VCF-style: chr5-90759431-C-A. GRCh37 (hg19) VCF-style: chr5-90055248-C-A.
Other names: short protein forms T3988N.
Identifiers: ClinVar variation 1424172 (VCV001424172.8), dbSNP rs750373155, ClinGen allele CA360373284.
Genomic context (GRCh38, chr5:90,759,431, plus strand): 5'-CCTCCCTCTCTTTCTCCCTTCCTTCCTTTCTTTCATAGGTTACTGCAATGATAGAAATCA[C>A]CATAATTGATGATGCTGAATTTGAATTGACAGAGACGTTCAATATTTCCTTGATCAGTGT-3'
Protein context (NP_115495.3, residues 3978-3998): DKQVTAMIEI[Thr3988Asn]IIDDAEFELT

ClinVar aggregate classification (germline): Uncertain significance (1 of 4 stars; one submission).

Submission:

Labcorp Genetics (formerly Invitae), Labcorp
Classification: Uncertain significance. Last evaluated: 2021-08-26. Review status: criteria provided, single submitter. Criteria: Invitae Variant Classification Sherloc (09022015). Collection method: clinical testing. Allele origin: germline.
Comment: Algorithms developed to predict the effect of missense changes on protein structure and function (SIFT, PolyPhen-2, Align-GVGD) all suggest that this variant is likely to be tolerated. In summary, the available evidence is currently insufficient to determine the role of this variant in disease. Therefore, it has been classified as a Variant of Uncertain Significance. This variant has not been reported in the literature in individuals affected with ADGRV1-related conditions. This variant is not present in population databases (ExAC no frequency). This sequence change replaces threonine with asparagine at codon 3988 of the ADGRV1 protein (p.Thr3988Asn). The threonine residue is moderately conserved and there is a small physicochemical difference between threonine and asparagine.